The following is an entry in ClinVar:

ClinVar aggregate classification (germline): Uncertain significance (1 of 4 stars; one submission).

Submission:

Labcorp Genetics (formerly Invitae), Labcorp
Classification: Uncertain significance. Last evaluated: 2025-11-05. Review status: criteria provided, single submitter. Criteria: Invitae Variant Classification Sherloc (09022015). Collection method: clinical testing. Allele origin: germline.
Comment: This sequence change replaces glutamic acid, which is acidic and polar, with leucine, which is neutral and non-polar, at codon 169 of the POLE2 protein (p.Glu169Leu). This variant is present in population databases (no rsID available, gnomAD 0.002%). This variant has not been reported in the literature in individuals affected with POLE2-related conditions. ClinVar contains an entry for this variant (Variation ID: 2428439). An algorithm developed to predict the effect of missense changes on protein structure and function (PolyPhen-2) suggests that this variant is likely to be disruptive. In summary, the available evidence is currently insufficient to determine the role of this variant in disease. Therefore, it has been classified as a Variant of Uncertain Significance.

NM_002692.4(POLE2):c.505_506delinsTT (p.Glu169Leu)

Gene: POLE2 (DNA polymerase epsilon 2, accessory subunit; minus strand). Cytogenetic location: 14q21.3.
Variant type: Indel.
Coding change: c.505_506delinsTT on transcript NM_002692.4 (MANE Select); coding-DNA positions 505 to 506, GA replaced by TT.
Protein change: p.Glu169Leu; replaces glutamic acid 169 with leucine.
Molecular consequence: missense variant.
Genome position (GRCh38, 1-based): chr14:49,666,400-49,666,401, TC replaced by AA on the plus strand (GA replaced by TT on the coding strand, the reverse complement: POLE2 is on the minus strand). VCF-style: chr14-49666400-TC-AA. GRCh37 (hg19) VCF-style: chr14-50133118-TC-AA.
Other names: c.427_428delinsTT, p.Glu143Leu (NM_001197330.2); c.505_506delinsTT, p.Glu169Leu (NM_001197331.3, NM_001348384.2); c.274_275delinsTT, p.Glu92Leu (NM_001348385.2); short protein forms E143L, E169L, E92L.
Identifiers: ClinVar variation 2428439 (VCV002428439.6), dbSNP rs2502876977, ClinGen allele CA2580088142.
Genomic context (GRCh38, chr14:49,666,400, plus strand): 5'-TGCGTTATCATTCCAAGAACAATCGCATCTCCGATTTTGGTTGTACTACCCAATAAGGTT[TC>AA]TATTGTTTTAAGCTAAAATAAAACAAAATAAATTTTAAAGACTGTAAATATATTCTTTCA-3'
Protein context (NP_002683.2, residues 159-179): SGSKFQLKTI[Glu169Leu]TLLGSTTKIG